The following is an entry in ClinVar:

ClinVar aggregate classification (germline): Uncertain significance. Review status: criteria provided, multiple submitters, no conflicts (2 of 4 stars). 2 submissions from 2 submitters: Uncertain significance (2). Last evaluated 2025-02-26.

Conditions:
Inborn genetic diseases. Identifiers: MedGen C0950123, MeSH D030342.

Allele frequency attached by ClinVar (database versions not stated): gnomAD 0.00003; gnomAD exomes 0.00002; TOPMed 0.00002; ExAC 0.00002.
gnomAD v4.1: 41 of 1,611,918 alleles (0.0025%); highest among the groups gnomAD compares: Non-Finnish European, 0.003%; no homozygotes.

Submissions (2):

Ambry Genetics
Classification: Uncertain significance for Inborn genetic diseases. Last evaluated: 2025-02-26. Review status: criteria provided, single submitter. Criteria: Ambry Variant Classification Scheme 2023. Collection method: clinical testing. Allele origin: germline.
Comment: The p.D1258Y variant (also known as c.3772G>T), located in coding exon 25 of the ANKRD26 gene, results from a G to T substitution at nucleotide position 3772. The aspartic acid at codon 1258 is replaced by tyrosine, an amino acid with highly dissimilar properties. This amino acid position is conserved. In addition, the in silico prediction for this alteration is inconclusive. Based on the available evidence, the clinical significance of this variant remains unclear.

GeneDx
Classification: Uncertain significance. Last evaluated: 2021-01-25. Review status: criteria provided, single submitter. Criteria: GeneDx Variant Classification Process June 2021. Collection method: clinical testing. Allele origin: germline. Affected: yes.
Comment: Has not been previously published as pathogenic or benign to our knowledge; Not observed at a significant frequency in large population cohorts (Lek 2016); In silico analysis supports that this missense variant has a deleterious effect on protein structure/function

NM_014915.3(ANKRD26):c.3772G>T (p.Asp1258Tyr)

Gene: ANKRD26 (ankyrin repeat domain containing 26; minus strand). Cytogenetic location: 10p12.1.
Variant type: single nucleotide variant.
Coding change: c.3772G>T on transcript NM_014915.3 (MANE Select); coding-DNA position 3772, G replaced by T.
Protein change: p.Asp1258Tyr; replaces aspartic acid 1258 with tyrosine.
Molecular consequence: missense variant.
Genome position (GRCh38, 1-based): chr10:27,033,260, C>A on the plus strand (G>T on the coding strand, the complement: ANKRD26 is on the minus strand). VCF-style: chr10-27033260-C-A. GRCh37 (hg19) VCF-style: chr10-27322189-C-A.
Other names: c.3769G>T, p.Asp1257Tyr (NM_001256053.2); short protein forms D1257Y, D1258Y.
Identifiers: ClinVar variation 1254394 (VCV001254394.3), dbSNP rs754020189, ClinGen allele CA5447960.